The following is an entry in ClinVar:

ClinVar aggregate classification (germline): Uncertain significance (1 of 4 stars; one submission).

Conditions:
Charcot-Marie-Tooth disease dominant intermediate F. Identifiers: Orphanet 352670, MedGen C4749463, MONDO:0014074, OMIM 615185.

Allele frequency attached by ClinVar (database versions not stated): gnomAD exomes 0.00001; TOPMed below 0.00001.
gnomAD v4.1: 4 of 1,613,586 alleles (0.00025%); highest among the groups gnomAD compares: South Asian, 0.0011%; no homozygotes.

Submission:

Labcorp Genetics (formerly Invitae), Labcorp
Classification: Uncertain significance for Charcot-Marie-Tooth disease dominant intermediate F. Last evaluated: 2017-11-23. Review status: criteria provided, single submitter. Criteria: Invitae Variant Classification Sherloc (09022015). Collection method: clinical testing. Allele origin: germline.
Comment: In summary, the available evidence is currently insufficient to determine the role of this variant in disease. Therefore, it has been classified as a Variant of Uncertain Significance. Algorithms developed to predict the effect of missense changes on protein structure and function do not agree on the potential impact of this missense change (SIFT: "Deleterious"; PolyPhen-2: "Benign"; Align-GVGD: "Class C35"). This variant has not been reported in the literature in individuals with GNB4-related disease. This variant is not present in population databases (ExAC no frequency). This sequence change replaces lysine with asparagine at codon 301 of the GNB4 protein (p.Lys301Asn). The lysine residue is highly conserved and there is a moderate physicochemical difference between lysine and asparagine.

NM_021629.4(GNB4):c.903A>T (p.Lys301Asn)

Gene: GNB4 (G protein subunit beta 4; minus strand). Cytogenetic location: 3q26.33.
Variant type: single nucleotide variant.
Coding change: c.903A>T on transcript NM_021629.4 (MANE Select); coding-DNA position 903, A replaced by T.
Protein change: p.Lys301Asn; replaces lysine 301 with asparagine.
Molecular consequence: missense variant.
Genome position (GRCh38, 1-based): chr3:179,405,203, T>A on the plus strand (A>T on the coding strand, the complement: GNB4 is on the minus strand). VCF-style: chr3-179405203-T-A. GRCh37 (hg19) VCF-style: chr3-179122991-T-A.
Other names: short protein forms K301N.
Identifiers: ClinVar variation 540920 (VCV000540920.8), dbSNP rs1167931862, ClinGen allele CA355468770.